The following is an entry in ClinVar:

ClinVar aggregate classification (germline): Likely benign. Review status: criteria provided, multiple submitters, no conflicts (2 of 4 stars). 4 submissions from 4 submitters: Likely benign (4). Last evaluated 2025-11-01.

Conditions:
Malignant hyperthermia, susceptibility to, 1 (MHS1). Also called: RYR1-Related Malignant Hyperthermia Susceptibility; Anesthesia related hyperthermia; Malignant hyperpyrexia; Fulminating hyperpyrexia; Pharmacogenic myopathy; Malignant hyperthermia suceptibility 1. Identifiers: Orphanet 423, MedGen C2930980, MONDO:0007783, OMIM 145600.
RYR1-related disorder. Also called: RYR1-related disorders; RYR1-related condition. Identifiers: MedGen CN239331.

Allele frequency attached by ClinVar (database versions not stated): gnomAD 0.00001; gnomAD exomes 0.00001; TOPMed 0.00001; ExAC 0.00002.
gnomAD v4.1: 23 of 1,613,922 alleles (0.0014%); highest among the groups gnomAD compares: Middle Eastern, 0.016%; no homozygotes.

Submissions (4):

CeGaT Center for Human Genetics Tuebingen
Classification: Likely benign. Last evaluated: 2025-11-01. Review status: criteria provided, single submitter. Criteria: CeGaT Center For Human Genetics Tuebingen Variant Classification Criteria Version 2. Collection method: clinical testing. Allele origin: germline. Affected: yes. Observed: 1 variant allele.
Comment: RYR1: BP4, BP7

Labcorp Genetics (formerly Invitae), Labcorp
Classification: Likely benign for RYR1-related disorder. Last evaluated: 2025-03-20. Review status: criteria provided, single submitter. Criteria: Invitae Variant Classification Sherloc (09022015). Collection method: clinical testing. Allele origin: germline.

ARUP Laboratories, Molecular Genetics and Genomics, ARUP Laboratories
Classification: Likely benign. Last evaluated: 2024-02-29. Review status: criteria provided, single submitter. Criteria: ARUP Molecular Germline Variant Investigation Process 2024. Collection method: clinical testing. Allele origin: germline.

All of Us Research Program, National Institutes of Health
Classification: Likely benign for Malignant hyperthermia, susceptibility to, 1. Last evaluated: 2023-08-15. Review status: criteria provided, single submitter. Criteria: ACMG Guidelines, 2015. Collection method: clinical testing. Allele origin: germline. Inheritance: Autosomal dominant inheritance. Observed: 3 variant alleles, 3 heterozygotes.
Comment: This study involves interpretation of variants in research participants for the purpose of population health screening. Participant phenotype was not available at the time of variant classification. Additional details can be found in publication PMID: 35346344, PMCID: PMC8962531

NM_000540.3(RYR1):c.2139C>T (p.Tyr713=)

Gene: RYR1 (ryanodine receptor 1; plus strand). Cytogenetic location: 19q13.2.
Variant type: single nucleotide variant.
Coding change: c.2139C>T on transcript NM_000540.3 (MANE Select); coding-DNA position 2139, C replaced by T.
Protein change: p.Tyr713=; no amino-acid change (tyrosine 713 retained).
Molecular consequence: synonymous variant.
Genome position (GRCh38, 1-based): chr19:38,458,264, C>T. VCF-style: chr19-38458264-C-T. GRCh37 (hg19) VCF-style: chr19-38948904-C-T.
Other names: c.2139C>T, p.Tyr713= (NM_001042723.2).
Identifiers: ClinVar variation 544476 (VCV000544476.18), dbSNP rs761428539, ClinGen allele CA062882.